The following is an entry in ClinVar:

NM_201384.3(PLEC):c.6001G>T (p.Ala2001Ser)

Gene: PLEC (plectin; minus strand). Cytogenetic location: 8q24.3.
Variant type: single nucleotide variant.
Coding change: c.6001G>T on transcript NM_201384.3 (MANE Select); coding-DNA position 6001, G replaced by T.
Protein change: p.Ala2001Ser; replaces alanine 2001 with serine.
Molecular consequence: missense variant.
Genome position (GRCh38, 1-based): chr8:143,923,928, C>A on the plus strand (G>T on the coding strand, the complement: PLEC is on the minus strand). VCF-style: chr8-143923928-C-A. GRCh37 (hg19) VCF-style: chr8-144998096-C-A.
Other names: c.6082G>T, p.Ala2028Ser (NM_000445.5); c.5959G>T, p.Ala1987Ser (NM_201378.4); c.5935G>T, p.Ala1979Ser (NM_201379.3); c.6412G>T, p.Ala2138Ser (NM_201380.4); c.5905G>T, p.Ala1969Ser (NM_201381.3); c.6001G>T, p.Ala2001Ser (NM_201382.4); c.6013G>T, p.Ala2005Ser (NM_201383.3); short protein forms A1969S, A1979S, A1987S, A2001S, A2005S, A2028S, A2138S.
Identifiers: ClinVar variation 1017351 (VCV001017351.8), dbSNP rs535202853, ClinGen allele CA4926150.
Genomic context (GRCh38, chr8:143,923,928, plus strand): 5'-CCTCCTCCACCTTGGCTTTCAGCCGCTCGACTTCCTCCAGCGCCGCCTTCCGCTGCCGTG[C>A]GGCCTCCTCCTCGGCCGCCAGGCTCTTCTGCACGCGCTCCTCAGCCTCACGGCGCCGCCG-3'
Protein context (NP_958786.1, residues 1991-2011): QKSLAAEEEA[Ala2001Ser]RQRKAALEEV

ClinVar aggregate classification (germline): Uncertain significance. Review status: criteria provided, multiple submitters, no conflicts (2 of 4 stars). 2 submissions from 2 submitters: Uncertain significance (2). Last evaluated 2026-01-05.

Conditions:
Epidermolysis bullosa simplex 5B, with muscular dystrophy (EBS5B). Also called: EPIDERMOLYSIS BULLOSA SIMPLEX AND LIMB-GIRDLE MUSCULAR DYSTROPHY; Epidermolysis bullosa simplex with muscular dystrophy. Identifiers: Orphanet 257, MedGen C2931072, MONDO:0009181, OMIM 226670.
Epidermolysis bullosa simplex, Ogna type (EBS5A). Also called: EPIDERMOLYSIS BULLOSA SIMPLEX 5A, OGNA TYPE; Pidermolysis bullosa simplex 5A, Ogna type. Identifiers: Orphanet 79401, MedGen C0432317, MONDO:0007555, OMIM 131950.
Epidermolysis bullosa simplex 5C, with pyloric atresia (EBS5C). Also called: Epidermolysis bullosa simplex with pyloric atresia; PLEC-Related Epidermolysis Bullosa with Pyloric Atresia; PLEC1-Related Epidermolysis Bullosa with Pyloric Atresia. Identifiers: Orphanet 158684, MedGen C2677349, MONDO:0012807, OMIM 612138.
Autosomal recessive limb-girdle muscular dystrophy type 2Q (LGMDR17). Also called: MUSCULAR DYSTROPHY, LIMB-GIRDLE, AUTOSOMAL RECESSIVE 17. Identifiers: Orphanet 254361, MedGen C3150989, MONDO:0013390, OMIM 613723.
Epidermolysis bullosa simplex with nail dystrophy (EBS5D). Identifiers: MedGen C4225309, MONDO:0014661, OMIM 616487.

gnomAD v4.1: 12 of 1,594,524 alleles (0.00075%); highest among the groups gnomAD compares: South Asian, 0.0088%; 1 homozygote.

Submissions (2):

Labcorp Genetics (formerly Invitae), Labcorp
Classification: Uncertain significance for Autosomal recessive limb-girdle muscular dystrophy type 2Q; Epidermolysis bullosa simplex, Ogna type; Epidermolysis bullosa simplex with nail dystrophy; Epidermolysis bullosa simplex 5C, with pyloric atresia; Epidermolysis bullosa simplex 5B, with muscular dystrophy. Last evaluated: 2026-01-05. Review status: criteria provided, single submitter. Criteria: Invitae Variant Classification Sherloc (09022015). Collection method: clinical testing. Allele origin: germline.
Comment: This sequence change replaces alanine, which is neutral and non-polar, with serine, which is neutral and polar, at codon 2028 of the PLEC protein (p.Ala2028Ser). The frequency data for this variant in the population databases is considered unreliable, as metrics indicate poor data quality at this position in the gnomAD database. This variant has not been reported in the literature in individuals affected with PLEC-related conditions. ClinVar contains an entry for this variant (Variation ID: 1017351). Experimental studies and prediction algorithms are not available or were not evaluated, and the functional significance of this variant is currently unknown. In summary, the available evidence is currently insufficient to determine the role of this variant in disease. Therefore, it has been classified as a Variant of Uncertain Significance.

Revvity Omics, Revvity
Classification: Uncertain significance. Last evaluated: 2021-09-20. Review status: criteria provided, single submitter. Criteria: ACMG Guidelines, 2015. Collection method: clinical testing. Allele origin: germline.